The following is an entry in ClinVar:

NM_001003800.2(BICD2):c.478C>T (p.Arg160Cys)

Gene: BICD2 (BICD cargo adaptor 2; minus strand). Cytogenetic location: 9q22.31.
Variant type: single nucleotide variant.
Coding change: c.478C>T on transcript NM_001003800.2 (MANE Select); coding-DNA position 478, C replaced by T.
Protein change: p.Arg160Cys; replaces arginine 160 with cysteine.
Molecular consequence: missense variant.
Genome position (GRCh38, 1-based): chr9:92,722,784, G>A on the plus strand (C>T on the coding strand, the complement: BICD2 is on the minus strand). VCF-style: chr9-92722784-G-A. GRCh37 (hg19) VCF-style: chr9-95485066-G-A.
Other names: c.478C>T, p.Arg160Cys (NM_015250.4); short protein forms R160C.
Identifiers: ClinVar variation 388229 (VCV000388229.11), dbSNP rs754493702, ClinGen allele CA5126797.

ClinVar aggregate classification (germline): Uncertain significance. Review status: criteria provided, multiple submitters, no conflicts (2 of 4 stars). 2 submissions from 2 submitters: Uncertain significance (2). Last evaluated 2024-10-28.

Conditions:
Autosomal dominant childhood-onset proximal spinal muscular atrophy with contractures (SMALED2A). Also called: SPINAL MUSCULAR ATROPHY, LOWER EXTREMITY-PREDOMINANT, 2A, CHILDHOOD ONSET, AUTOSOMAL DOMINANT; Spinal muscular atrophy, lower extremity-predominant, 2A, autosomal dominant. Identifiers: Orphanet 363447, Orphanet 363454, MedGen C4747715, MONDO:0014121, OMIM 615290.

Allele frequency attached by ClinVar (database versions not stated): gnomAD exomes 0.00002; ExAC 0.00003.
gnomAD v4.1: 22 of 1,613,276 alleles (0.0014%); highest among the groups gnomAD compares: East Asian, 0.0022%; no homozygotes.

Submissions (2):

Labcorp Genetics (formerly Invitae), Labcorp
Classification: Uncertain significance for Autosomal dominant childhood-onset proximal spinal muscular atrophy with contractures. Last evaluated: 2024-10-28. Review status: criteria provided, single submitter. Criteria: Invitae Variant Classification Sherloc (09022015). Collection method: clinical testing. Allele origin: germline.
Comment: This sequence change replaces arginine, which is basic and polar, with cysteine, which is neutral and slightly polar, at codon 160 of the BICD2 protein (p.Arg160Cys). This variant is present in population databases (rs754493702, gnomAD 0.004%). This variant has not been reported in the literature in individuals affected with BICD2-related conditions. ClinVar contains an entry for this variant (Variation ID: 388229). Invitae Evidence Modeling of protein sequence and biophysical properties (such as structural, functional, and spatial information, amino acid conservation, physicochemical variation, residue mobility, and thermodynamic stability) indicates that this missense variant is not expected to disrupt BICD2 protein function with a negative predictive value of 80%. In summary, the available evidence is currently insufficient to determine the role of this variant in disease. Therefore, it has been classified as a Variant of Uncertain Significance.

GeneDx
Classification: Uncertain significance. Last evaluated: 2016-08-08. Review status: criteria provided, single submitter. Criteria: GeneDx Variant Classification (06012015). Collection method: clinical testing. Allele origin: germline. Affected: yes.
Comment: The R160C variant in the BICD2 gene has not been reported previously as a pathogenic variant, nor as a benign variant, to our knowledge. The R160C variant was not observed in approximately 6,500 individuals of European and African American ancestry in the NHLBI Exome Sequencing Project, indicating it is not a common benign variant in these populations. The R160C variant is a non-conservative amino acid substitution, which is likely to impact secondary protein structure as these residues differ in polarity, charge, size and/or other properties. This substitution occurs at a position that is conserved across species. In silico analysis predicts this variant is probably damaging to the protein structure/function. We interpret R160C as a variant of uncertain significance.